The following is an entry in ClinVar:

ClinVar aggregate classification (germline): Uncertain significance (1 of 4 stars; one submission).

Conditions:
Catecholaminergic polymorphic ventricular tachycardia 1. Also called: VENTRICULAR TACHYCARDIA, CATECHOLAMINERGIC POLYMORPHIC, 1, WITH OR WITHOUT ATRIAL DYSFUNCTION AND/OR DILATED CARDIOMYOPATHY; VENTRICULAR TACHYCARDIA, STRESS-INDUCED POLYMORPHIC 1; RYR2-Related Catecholaminergic Polymorphic Ventricular Tachycardia. Identifiers: Orphanet 3286, MedGen C1631597, MONDO:0011484, OMIM 604772.

Submission:

Labcorp Genetics (formerly Invitae), Labcorp
Classification: Uncertain significance for Catecholaminergic polymorphic ventricular tachycardia 1. Last evaluated: 2023-12-31. Review status: criteria provided, single submitter. Criteria: Invitae Variant Classification Sherloc (09022015). Collection method: clinical testing. Allele origin: germline.
Comment: This sequence change replaces glutamine, which is neutral and polar, with leucine, which is neutral and non-polar, at codon 2692 of the RYR2 protein (p.Gln2692Leu). This variant is not present in population databases (gnomAD no frequency). This variant has not been reported in the literature in individuals affected with RYR2-related conditions. Advanced modeling of protein sequence and biophysical properties (such as structural, functional, and spatial information, amino acid conservation, physicochemical variation, residue mobility, and thermodynamic stability) has been performed at Invitae for this missense variant, however the output from this modeling did not meet the statistical confidence thresholds required to predict the impact of this variant on RYR2 protein function. In summary, the available evidence is currently insufficient to determine the role of this variant in disease. Therefore, it has been classified as a Variant of Uncertain Significance.

NM_001035.3(RYR2):c.8075A>T (p.Gln2692Leu)

Gene: RYR2 (ryanodine receptor 2; plus strand). Cytogenetic location: 1q43.
Variant type: single nucleotide variant.
Coding change: c.8075A>T on transcript NM_001035.3 (MANE Select); coding-DNA position 8075, A replaced by T.
Protein change: p.Gln2692Leu; replaces glutamine 2692 with leucine.
Molecular consequence: missense variant.
Genome position (GRCh38, 1-based): chr1:237,655,930, A>T. VCF-style: chr1-237655930-A-T. GRCh37 (hg19) VCF-style: chr1-237819230-A-T.
Other names: short protein forms Q2692L.
Identifiers: ClinVar variation 2706810 (VCV002706810.3), dbSNP rs370072276, ClinGen allele CA345400972.